The following is an entry in ClinVar:

ClinVar aggregate classification (germline): Benign. Review status: criteria provided, multiple submitters, no conflicts (2 of 4 stars). 4 submissions from 3 submitters: Benign (4). Last evaluated 2018-06-29.

Conditions:
Disorders of Intracellular Cobalamin Metabolism. Identifiers: MedGen CN043592.
Methylmalonic aciduria and homocystinuria type cblD (MAHCD). Also called: Methylmalonic aciduria with homocystinuria cblD type; METHYLMALONIC ACIDEMIA, cblH TYPE. Identifiers: Orphanet 622, Orphanet 79283, MedGen C1848552, MONDO:0010185, OMIM 277410.

Allele frequency attached by ClinVar (database versions not stated): TOPMed 0.48785; gnomAD 0.49161 and 0.50433; 1000 Genomes Project 30x 0.54154; 1000 Genomes Project 0.55312; gnomAD exomes 0.59964.
gnomAD v4.1: 535,264 of 916,652 alleles (58%); highest among the groups gnomAD compares: East Asian, 87%; 161,443 homozygotes.

Submissions (4):

GeneDx
Classification: Benign. Last evaluated: 2018-06-29. Review status: criteria provided, single submitter. Criteria: GeneDx Variant Classification Process June 2021. Collection method: clinical testing. Allele origin: germline. Affected: yes.

Illumina Laboratory Services, Illumina
Classification: Benign for Disorders of Intracellular Cobalamin Metabolism. Last evaluated: 2018-01-13. Review status: criteria provided, single submitter. Criteria: ICSL Variant Classification Criteria 13 December 2019. Collection method: clinical testing. Allele origin: germline.
Comment: This variant was observed in the ICSL laboratory as part of a predisposition screen in an ostensibly healthy population. It had not been previously curated by ICSL or reported in the Human Gene Mutation Database (HGMD: prior to June 1st, 2018), and was therefore a candidate for classification through an automated scoring system. Utilizing variant allele frequency, disease prevalence and penetrance estimates, and inheritance mode, an automated score was calculated to assess if this variant is too frequent to cause the disease. Based on the score and internal cut-off values, a variant classified as benign is not then subjected to further curation. The score for this variant resulted in a classification of benign for this disease.

Illumina Laboratory Services, Illumina
Classification: Benign for Methylmalonic aciduria and homocystinuria type cblD. Last evaluated: 2018-01-13. Review status: criteria provided, single submitter. Criteria: ICSL Variant Classification Criteria 13 December 2019. Collection method: clinical testing. Allele origin: germline.
Comment: the same text as in the submission from Illumina Laboratory Services, Illumina above.

Breakthrough Genomics
Classification: Benign. Review status: criteria provided, single submitter. Criteria: ACMG Guidelines, 2015. Collection method: not provided. Allele origin: germline. Inheritance: Autosomal recessive inheritance. Affected: yes.

NM_015702.3(MMADHC):c.*126A>G

Gene: MMADHC (metabolism of cobalamin associated D; minus strand). Cytogenetic location: 2q23.2.
Variant type: single nucleotide variant.
Coding change: c.*126A>G on transcript NM_015702.3 (MANE Select); 126 bases downstream of the stop codon, A replaced by G.
Molecular consequence: 3 prime UTR variant.
Genome position (GRCh38, 1-based): chr2:149,569,848, T>C on the plus strand (A>G on the coding strand, the complement: MMADHC is on the minus strand). VCF-style: chr2-149569848-T-C. GRCh37 (hg19) VCF-style: chr2-150426362-T-C.
Identifiers: ClinVar variation 331373 (VCV000331373.8), dbSNP rs6923, ClinGen allele CA10610875.